The following is an entry in ClinVar:

ClinVar aggregate classification (germline): Uncertain significance (1 of 4 stars; one submission).

Allele frequency attached by ClinVar (database versions not stated): gnomAD 0.00001; TOPMed 0.00001.
gnomAD v4.1: 24 of 1,609,160 alleles (0.0015%); highest among the groups gnomAD compares: South Asian, 0.0033%; 1 homozygote.

Submission:

Labcorp Genetics (formerly Invitae), Labcorp
Classification: Uncertain significance. Last evaluated: 2023-04-18. Review status: criteria provided, single submitter. Criteria: Invitae Variant Classification Sherloc (09022015). Collection method: clinical testing. Allele origin: germline.
Comment: In summary, the available evidence is currently insufficient to determine the role of this variant in disease. Therefore, it has been classified as a Variant of Uncertain Significance. Advanced modeling of protein sequence and biophysical properties (such as structural, functional, and spatial information, amino acid conservation, physicochemical variation, residue mobility, and thermodynamic stability) performed at Invitae indicates that this missense variant is not expected to disrupt CTBP1 protein function. This sequence change replaces arginine, which is basic and polar, with histidine, which is basic and polar, at codon 184 of the CTBP1 protein (p.Arg184His). The frequency data for this variant in the population databases is considered unreliable, as metrics indicate poor data quality at this position in the gnomAD database. This variant has not been reported in the literature in individuals affected with CTBP1-related conditions.

NM_001012614.2(CTBP1):c.518G>A (p.Arg173His)

Genes: CTBP1 (C-terminal binding protein 1; minus strand), CTBP1-AS (CTBP1 antisense RNA; plus strand). Cytogenetic location: 4p16.3.
Variant type: single nucleotide variant.
Coding change: c.518G>A on transcript NM_001012614.2 (MANE Select); coding-DNA position 518, G replaced by A.
Protein change: p.Arg173His; replaces arginine 173 with histidine.
Molecular consequence: missense variant. On other transcripts: non-coding transcript variant (1).
Genome position (GRCh38, 1-based): chr4:1,216,202, C>T on the plus strand (G>A on the coding strand, the complement: CTBP1 is on the minus strand). VCF-style: chr4-1216202-C-T. GRCh37 (hg19) VCF-style: chr4-1209990-C-T.
Other names: c.518G>A, p.Arg173His (NM_001377189.1, NM_001377190.1, NM_001377191.1 and 4 more transcripts); c.551G>A, p.Arg184His (NM_001328.3, NM_001377186.1); short protein forms R173H, R184H.
Identifiers: ClinVar variation 2786551 (VCV002786551.3), dbSNP rs932604953, ClinGen allele CA91162062.